The following is an entry in ClinVar:

ClinVar aggregate classification (germline): Benign. Review status: criteria provided, multiple submitters, no conflicts (2 of 4 stars). 3 submissions from 3 submitters: Benign (2). 1 of the submissions does not count toward it. Last evaluated 2018-12-13.

Conditions:
SHANK1-related disorder. Also called: SHANK1-related condition.

Allele frequency attached by ClinVar (database versions not stated): gnomAD 0.01368 and 0.01471; 1000 Genomes Project 0.01378; 1000 Genomes Project 30x 0.01530; TOPMed 0.01561; ESP Exome Variant Server 0.01653.
gnomAD v4.1: 4,568 of 1,613,524 alleles (0.28%); highest among the groups gnomAD compares: African/African-American, 4.7%; 101 homozygotes.

Submissions (3):

Labcorp Genetics (formerly Invitae), Labcorp
Classification: Benign. Last evaluated: 2018-12-13. Review status: criteria provided, single submitter. Criteria: Invitae Variant Classification Sherloc (09022015). Collection method: clinical testing. Allele origin: germline.

Breakthrough Genomics
Classification: Benign. Review status: criteria provided, single submitter. Criteria: ACMG Guidelines, 2015. Collection method: not provided. Allele origin: germline. Inheritance: Unknown mechanism. Affected: yes.

PreventionGenetics, part of Exact Sciences
Classification: Likely benign for SHANK1-related condition. Last evaluated: 2020-01-02. Review status: no assertion criteria provided. Collection method: clinical testing. Allele origin: germline. Not counted in ClinVar's aggregate classification.
Comment: This variant is classified as likely benign based on ACMG/AMP sequence variant interpretation guidelines (Richards et al. 2015 PMID: 25741868, with internal and published modifications).

NM_016148.5(SHANK1):c.1207C>A (p.Arg403=)

Gene: SHANK1 (SH3 and multiple ankyrin repeat domains 1; minus strand). Cytogenetic location: 19q13.33.
Variant type: single nucleotide variant.
Coding change: c.1207C>A on transcript NM_016148.5 (MANE Select); coding-DNA position 1207, C replaced by A.
Protein change: p.Arg403=; no amino-acid change (arginine 403 retained).
Molecular consequence: synonymous variant.
Genome position (GRCh38, 1-based): chr19:50,704,135, G>T on the plus strand (C>A on the coding strand, the complement: SHANK1 is on the minus strand). VCF-style: chr19-50704135-G-T. GRCh37 (hg19) VCF-style: chr19-51207392-G-T.
Identifiers: ClinVar variation 777504 (VCV000777504.6), dbSNP rs10419507, ClinGen allele CA9601931.